The following is an entry in ClinVar:

ClinVar aggregate classification (germline): Uncertain significance (1 of 4 stars; one submission).

Submission:

Labcorp Genetics (formerly Invitae), Labcorp
Classification: Uncertain significance. Last evaluated: 2023-04-15. Review status: criteria provided, single submitter. Criteria: Invitae Variant Classification Sherloc (09022015). Collection method: clinical testing. Allele origin: germline.
Comment: This sequence change replaces leucine, which is neutral and non-polar, with proline, which is neutral and non-polar, at codon 91 of the RAI1 protein (p.Leu91Pro). This variant is not present in population databases (gnomAD no frequency). This variant has not been reported in the literature in individuals affected with RAI1-related conditions. Advanced modeling of protein sequence and biophysical properties (such as structural, functional, and spatial information, amino acid conservation, physicochemical variation, residue mobility, and thermodynamic stability) performed at Invitae indicates that this missense variant is not expected to disrupt RAI1 protein function. In summary, the available evidence is currently insufficient to determine the role of this variant in disease. Therefore, it has been classified as a Variant of Uncertain Significance.

NM_030665.4(RAI1):c.272T>C (p.Leu91Pro)

Gene: RAI1 (retinoic acid induced 1; plus strand). Cytogenetic location: 17p11.2.
Variant type: single nucleotide variant.
Coding change: c.272T>C on transcript NM_030665.4 (MANE Select); coding-DNA position 272, T replaced by C.
Protein change: p.Leu91Pro; replaces leucine 91 with proline.
Molecular consequence: missense variant.
Genome position (GRCh38, 1-based): chr17:17,793,220, T>C. VCF-style: chr17-17793220-T-C. GRCh37 (hg19) VCF-style: chr17-17696534-T-C.
Other names: short protein forms L91P.
Identifiers: ClinVar variation 2856655 (VCV002856655.3), dbSNP rs1353375991, ClinGen allele CA398545105.